The following is an entry in ClinVar:

ClinVar aggregate classification (germline): Uncertain significance. Review status: criteria provided, multiple submitters, no conflicts (2 of 4 stars). 3 submissions from 3 submitters: Uncertain significance (3). Last evaluated 2021-02-17.

Conditions:
Connective tissue disorder. Also called: Connective tissue disease. Identifiers: MedGen C0009782, MONDO:0003900.
Greenberg dysplasia (GRBGD). Also called: CHONDRODYSTROPHY, HYDROPIC AND PRENATALLY LETHAL TYPE; HEM SKELETAL DYSPLASIA; MOTH-EATEN SKELETAL DYSPLASIA. Identifiers: Orphanet 1426, MedGen C2931048, MONDO:0008974, OMIM 215140.

Allele frequency attached by ClinVar (database versions not stated): TOPMed 0.00004; ESP Exome Variant Server 0.00008.

Submissions (3):

Labcorp Genetics (formerly Invitae), Labcorp
Classification: Uncertain significance. Last evaluated: 2021-02-17. Review status: criteria provided, single submitter. Criteria: Invitae Variant Classification Sherloc (09022015). Collection method: clinical testing. Allele origin: germline.
Comment: Advanced modeling of protein sequence and biophysical properties (such as structural, functional, and spatial information, amino acid conservation, physicochemical variation, residue mobility, and thermodynamic stability) performed at Invitae indicates that this missense variant is not expected to disrupt LBR protein function. This variant has not been reported in the literature in individuals with LBR-related conditions. ClinVar contains an entry for this variant (Variation ID: 876043). This variant is present in population databases (rs372250618, ExAC 0.006%). This sequence change replaces alanine with serine at codon 521 of the LBR protein (p.Ala521Ser). The alanine residue is moderately conserved and there is a moderate physicochemical difference between alanine and serine. In summary, the available evidence is currently insufficient to determine the role of this variant in disease. Therefore, it has been classified as a Variant of Uncertain Significance.

Genome Diagnostics Laboratory, The Hospital for Sick Children
Classification: Uncertain significance for Connective tissue disorder. Last evaluated: 2019-12-01. Review status: criteria provided, single submitter. Criteria: ACMG Guidelines, 2015. Collection method: clinical testing. Allele origin: germline.

Illumina Laboratory Services, Illumina
Classification: Uncertain significance for Greenberg dysplasia. Last evaluated: 2018-01-13. Review status: criteria provided, single submitter. Criteria: ICSL Variant Classification Criteria 13 December 2019. Collection method: clinical testing. Allele origin: germline.

NM_002296.4(LBR):c.1561G>T (p.Ala521Ser)

Gene: LBR (lamin B receptor; minus strand). Cytogenetic location: 1q42.12.
Variant type: single nucleotide variant.
Coding change: c.1561G>T on transcript NM_002296.4 (MANE Select); coding-DNA position 1561, G replaced by T.
Protein change: p.Ala521Ser; replaces alanine 521 with serine.
Molecular consequence: missense variant.
Genome position (GRCh38, 1-based): chr1:225,404,629, C>A on the plus strand (G>T on the coding strand, the complement: LBR is on the minus strand). VCF-style: chr1-225404629-C-A. GRCh37 (hg19) VCF-style: chr1-225592331-C-A.
Other names: c.1561G>T, p.Ala521Ser (NM_194442.3); short protein forms A521S.
Identifiers: ClinVar variation 876043 (VCV000876043.14), dbSNP rs372250618, ClinGen allele CA1417112.